The following is an entry in ClinVar:

NM_058222.3(TECTB):c.77-10C>T

Gene: TECTB (tectorin beta; plus strand). Cytogenetic location: 10q25.2.
Variant type: single nucleotide variant.
Coding change: c.77-10C>T on transcript NM_058222.3 (MANE Select); 10 bases into the intron before coding-DNA position 77, C replaced by T.
Molecular consequence: intron variant.
Genome position (GRCh38, 1-based): chr10:112,284,525, C>T. VCF-style: chr10-112284525-C-T. GRCh37 (hg19) VCF-style: chr10-114044283-C-T.
Identifiers: ClinVar variation 3053331 (VCV003053331.2), dbSNP rs143737351, ClinGen allele CA5690908.

ClinVar aggregate classification (germline): Likely benign (0 of 4 stars; one submission).

Conditions:
TECTB-related disorder. Also called: TECTB-related condition.

Allele frequency attached by ClinVar (database versions not stated): ExAC 0.00107; gnomAD 0.00279; ESP Exome Variant Server 0.00284; TOPMed 0.00309; 1000 Genomes Project 0.00379; 1000 Genomes Project 30x 0.00406.
gnomAD v4.1: 898 of 1,594,504 alleles (0.056%); highest among the groups gnomAD compares: African/African-American, 0.88%; 4 homozygotes.

Submission:

PreventionGenetics, part of Exact Sciences
Classification: Likely benign for TECTB-related condition. Last evaluated: 2019-04-01. Review status: no assertion criteria provided. Collection method: clinical testing. Allele origin: germline.
Comment: This variant is classified as likely benign based on ACMG/AMP sequence variant interpretation guidelines (Richards et al. 2015 PMID: 25741868, with internal and published modifications).